The following is an entry in ClinVar:

ClinVar aggregate classification (germline): Conflicting classifications of pathogenicity. Review status: criteria provided, conflicting classifications (1 of 4 stars). 4 submissions from 4 submitters: Uncertain significance (2); Likely benign (1). 1 of the submissions does not count toward it. Last evaluated 2024-05-07.

Conditions:
TBX3-related disorder. Also called: TBX3-related condition.
Ulnar-mammary syndrome (UMS). Also called: PALLISTER ULNAR-MAMMARY SYNDROME; SCHINZEL SYNDROME; Ulnar-mammary syndrome of Pallister. Identifiers: Orphanet 3138, MedGen C1866994, MONDO:0008411, OMIM 181450.
Inborn genetic diseases. Identifiers: MedGen C0950123, MeSH D030342.

Allele frequency attached by ClinVar (database versions not stated): gnomAD 0.00006; TOPMed 0.00006; ExAC 0.00018.

Submissions (4):

Labcorp Genetics (formerly Invitae), Labcorp
Classification: Uncertain significance for Ulnar-mammary syndrome. Last evaluated: 2024-05-07. Review status: criteria provided, single submitter. Criteria: Invitae Variant Classification Sherloc (09022015). Collection method: clinical testing. Allele origin: germline.
Comment: This sequence change replaces proline, which is neutral and non-polar, with arginine, which is basic and polar, at codon 454 of the TBX3 protein (p.Pro454Arg). This variant is present in population databases (rs762031545, gnomAD 0.05%). This variant has not been reported in the literature in individuals affected with TBX3-related conditions. ClinVar contains an entry for this variant (Variation ID: 2242272). An algorithm developed to predict the effect of missense changes on protein structure and function (PolyPhen-2) suggests that this variant is likely to be tolerated. In summary, the available evidence is currently insufficient to determine the role of this variant in disease. Therefore, it has been classified as a Variant of Uncertain Significance.

Blueprint Genetics
Classification: Likely benign. Last evaluated: 2022-04-21. Review status: criteria provided, single submitter. Criteria: ACMG Guidelines, 2015. Collection method: clinical testing. Allele origin: germline.

Ambry Genetics
Classification: Uncertain significance for Inborn genetic diseases. Last evaluated: 2021-08-10. Review status: criteria provided, single submitter. Criteria: Ambry Variant Classification Scheme 2023. Collection method: clinical testing. Allele origin: germline.

PreventionGenetics, part of Exact Sciences
Classification: Likely benign for TBX3-related condition. Last evaluated: 2023-02-24. Review status: no assertion criteria provided. Collection method: clinical testing. Allele origin: germline. Not counted in ClinVar's aggregate classification.
Comment: This variant is classified as likely benign based on ACMG/AMP sequence variant interpretation guidelines (Richards et al. 2015 PMID: 25741868, with internal and published modifications).

NM_005996.4(TBX3):c.1361C>G (p.Pro454Arg)

Gene: TBX3 (T-box transcription factor 3; minus strand). Cytogenetic location: 12q24.21.
Variant type: single nucleotide variant.
Coding change: c.1361C>G on transcript NM_005996.4 (MANE Select); coding-DNA position 1361, C replaced by G.
Protein change: p.Pro454Arg; replaces proline 454 with arginine.
Molecular consequence: missense variant.
Genome position (GRCh38, 1-based): chr12:114,674,514, G>C on the plus strand (C>G on the coding strand, the complement: TBX3 is on the minus strand). VCF-style: chr12-114674514-G-C. GRCh37 (hg19) VCF-style: chr12-115112319-G-C.
Other names: c.1421C>G (NM_016569.3); c.1421C>G, p.Pro474Arg (NM_016569.4); short protein forms P454R, P474R.
Identifiers: ClinVar variation 2242272 (VCV002242272.6), dbSNP rs762031545, ClinGen allele CA6809926.